The following is an entry in ClinVar:

NM_014946.4(SPAST):c.1413+5G>C

Gene: SPAST (spastin; plus strand). Cytogenetic location: 2p22.3.
Variant type: single nucleotide variant.
Coding change: c.1413+5G>C on transcript NM_014946.4 (MANE Select); 5 bases into the intron after coding-DNA position 1413, G replaced by C.
Molecular consequence: intron variant.
Genome position (GRCh38, 1-based): chr2:32,136,973, G>C. VCF-style: chr2-32136973-G-C. GRCh37 (hg19) VCF-style: chr2-32362042-G-C.
Other names: c.1317+5G>C (NM_199436.2, NM_001377959.1); c.1410+5G>C (NM_001363823.2); c.1314+5G>C (NM_001363875.2).
Identifiers: ClinVar variation 468566 (VCV000468566.9), dbSNP rs1553318282, ClinGen allele CA658657026.

ClinVar aggregate classification (germline): Likely pathogenic. Review status: criteria provided, multiple submitters, no conflicts (2 of 4 stars). 2 submissions from 2 submitters: Likely pathogenic (2). Last evaluated 2024-07-19.

Conditions:
Hereditary spastic paraplegia 4. Also called: Spastic paraplegia 4, autosomal dominant; Familial spastic paraplegia autosomal dominant 2; Spastic Paraplegia 4. Identifiers: Orphanet 100985, MedGen C1866855, MONDO:0008438, OMIM 182601.

Submissions (2):

GeneDx
Classification: Likely pathogenic. Last evaluated: 2024-07-19. Review status: criteria provided, single submitter. Criteria: GeneDx Variant Classification Process June 2021. Collection method: clinical testing. Allele origin: germline. Affected: yes.
Comment: Intronic variant directly or indirectly altering the +5 splice site in a gene for which loss of function is a known mechanism of disease, and splice predictors support a deleterious effect; Not observed at significant frequency in large population cohorts (gnomAD); This variant is associated with the following publications: (PMID: 35572931)

Labcorp Genetics (formerly Invitae), Labcorp
Classification: Likely pathogenic for Hereditary spastic paraplegia 4. Last evaluated: 2023-08-02. Review status: criteria provided, single submitter. Criteria: Invitae Variant Classification Sherloc (09022015). Collection method: clinical testing. Allele origin: germline.
Comment: This sequence change falls in intron 11 of the SPAST gene. It does not directly change the encoded amino acid sequence of the SPAST protein. It affects a nucleotide within the consensus splice site. This variant is not present in population databases (gnomAD no frequency). In summary, the currently available evidence indicates that the variant is pathogenic, but additional data are needed to prove that conclusively. Therefore, this variant has been classified as Likely Pathogenic. ClinVar contains an entry for this variant (Variation ID: 468566). Variants that disrupt the consensus splice site are a relatively common cause of aberrant splicing (PMID: 17576681, 9536098). Algorithms developed to predict the effect of sequence changes on RNA splicing suggest that this variant may disrupt the consensus splice site. This variant has been observed in individuals with hereditary spastic paraplegia (Invitae). It has also been observed to segregate with disease in related individuals.

Literature cited by the submitters: PubMed 17576681 (cited by Labcorp Genetics (formerly Invitae), Labcorp); PubMed 9536098 (cited by Labcorp Genetics (formerly Invitae), Labcorp).